The following is an entry in ClinVar:

NM_006231.4(POLE):c.1916G>A (p.Arg639His)

Gene: POLE (DNA polymerase epsilon, catalytic subunit; minus strand). Cytogenetic location: 12q24.33.
Variant type: single nucleotide variant.
Coding change: c.1916G>A on transcript NM_006231.4 (MANE Select); coding-DNA position 1916, G replaced by A.
Protein change: p.Arg639His; replaces arginine 639 with histidine.
Molecular consequence: missense variant.
Genome position (GRCh38, 1-based): chr12:132,668,818, C>T on the plus strand (G>A on the coding strand, the complement: POLE is on the minus strand). VCF-style: chr12-132668818-C-T. GRCh37 (hg19) VCF-style: chr12-133245404-C-T.
Other names: c.1916G>A (NM_006231.2); short protein forms R639H.
Identifiers: ClinVar variation 573563 (VCV000573563.22), dbSNP rs754616313, ClinGen allele CA6893777.

ClinVar aggregate classification (germline): Uncertain significance. Review status: criteria provided, multiple submitters, no conflicts (2 of 4 stars). 5 submissions from 5 submitters: Uncertain significance (5). Last evaluated 2025-12-29.

Conditions:
Intrauterine growth retardation, metaphyseal dysplasia, adrenal hypoplasia congenita, genital anomalies, and immunodeficiency. Also called: IMAGEI SYNDROME. Identifiers: MedGen C5193036, MONDO:0032684, OMIM 618336.
Colorectal cancer, susceptibility to, 12 (CRCS12). Also called: COLORECTAL CANCER, SUSCEPTIBILITY TO, ON CHROMOSOME 12q24. Identifiers: Orphanet 220460, MedGen C3554460, MONDO:0014038, OMIM 615083.
Facial dysmorphism-immunodeficiency-livedo-short stature syndrome. Also called: Facial dysmorphism, immunodeficiency, livedo, and short stature; FILS syndrome. Identifiers: Orphanet 352712, MedGen C3554576, MONDO:0014058, OMIM 615139.
Hereditary cancer-predisposing syndrome. Also called: Neoplastic Syndromes, Hereditary; Hereditary Cancer Syndrome; Tumor predisposition; Hereditary neoplastic syndrome. Identifiers: Orphanet 140162, MedGen C0027672, MeSH D009386, MONDO:0015356.

Allele frequency attached by ClinVar (database versions not stated): gnomAD exomes below 0.00001; TOPMed below 0.00001.
gnomAD v4.1: 6 of 1,614,068 alleles (0.00037%); highest among the groups gnomAD compares: South Asian, 0.0011%; no homozygotes.

Submissions (5):

Center for Genomic Medicine, Rigshospitalet, Copenhagen University Hospital
Classification: Uncertain significance. Last evaluated: 2025-12-29. Review status: criteria provided, single submitter. Criteria: ACMG Guidelines, 2015. Collection method: clinical testing. Allele origin: germline.

Labcorp Genetics (formerly Invitae), Labcorp
Classification: Uncertain significance. Last evaluated: 2025-11-24. Review status: criteria provided, single submitter. Criteria: Invitae Variant Classification Sherloc (09022015). Collection method: clinical testing. Allele origin: germline.
Comment: This sequence change replaces arginine, which is basic and polar, with histidine, which is basic and polar, at codon 639 of the POLE protein (p.Arg639His). This variant is present in population databases (rs754616313, gnomAD 0.01%). This variant has not been reported in the literature in individuals affected with POLE-related conditions. ClinVar contains an entry for this variant (Variation ID: 573563). Invitae Evidence Modeling of protein sequence and biophysical properties (such as structural, functional, and spatial information, amino acid conservation, physicochemical variation, residue mobility, and thermodynamic stability) indicates that this missense variant is expected to disrupt POLE protein function with a positive predictive value of 80%. In summary, the available evidence is currently insufficient to determine the role of this variant in disease. Therefore, it has been classified as a Variant of Uncertain Significance.

Ambry Genetics
Classification: Uncertain significance for Hereditary cancer-predisposing syndrome. Last evaluated: 2024-06-08. Review status: criteria provided, single submitter. Criteria: Ambry Variant Classification Scheme 2023. Collection method: clinical testing. Allele origin: germline.
Comment: The p.R639H variant (also known as c.1916G>A), located in coding exon 17 of the POLE gene, results from a G to A substitution at nucleotide position 1916. The arginine at codon 639 is replaced by histidine, an amino acid with highly similar properties. This amino acid position is conserved. In addition, the in silico prediction for this alteration is inconclusive. Since supporting evidence is limited at this time, the clinical significance of this alteration remains unclear.

Fulgent Genetics
Classification: Uncertain significance for Colorectal cancer, susceptibility to, 12; Facial dysmorphism-immunodeficiency-livedo-short stature syndrome; Intrauterine growth retardation, metaphyseal dysplasia, adrenal hypoplasia congenita, genital anomalies, and immunodeficiency. Last evaluated: 2024-04-07. Review status: criteria provided, single submitter. Criteria: ACMG Guidelines, 2015. Collection method: clinical testing. Allele origin: germline.

GeneDx
Classification: Uncertain significance. Last evaluated: 2022-12-08. Review status: criteria provided, single submitter. Criteria: GeneDx Variant Classification Process June 2021. Collection method: clinical testing. Allele origin: germline. Affected: yes.
Comment: Not observed at significant frequency in large population cohorts (gnomAD); In silico analysis supports that this missense variant has a deleterious effect on protein structure/function; Has not been previously published as pathogenic or benign to our knowledge; This variant is associated with the following publications: (PMID: 29056344)